The following is an entry in ClinVar:

NC_012920.1(MT-CO2):m.7925G>A

Gene: MT-CO2 (mitochondrially encoded cytochrome c oxidase II; plus strand).
Variant type: single nucleotide variant.
Genome position: chrM-7925-G-A.
Identifiers: ClinVar variation 692797 (VCV000692797.2), dbSNP rs1603221215, ClinGen allele CA414794269.

ClinVar aggregate classification (germline): Uncertain significance. Review status: criteria provided, multiple submitters, no conflicts (2 of 4 stars). 2 submissions from 2 submitters: Uncertain significance (2). Last evaluated 2019-10-17.

Conditions:
Decreased activity of mitochondrial complex IV. Identifiers: MedGen C4020800, HP:0008347.
Leigh syndrome (NULS). Also called: Leigh's necrotizing encephalopathy; Leigh's disease; Leigh Syndrome (mtDNA deletion); Leigh Disease; Subacute necrotizing encephalopathy; Necrotizing encephalopathy infantile subacute of Leigh. Identifiers: Orphanet 506, MedGen C2931891, MONDO:0009723, OMIM 256000.

Submissions (2):

Wong Mito Lab, Molecular and Human Genetics, Baylor College of Medicine
Classification: Uncertain significance for Leigh syndrome. Last evaluated: 2019-10-17. Review status: criteria provided, single submitter. Criteria: Modified ACMG Guidelines (Unpublished). Collection method: clinical testing. Allele origin: germline.
Comment: The NC_012920.1:m.7925G>A (YP_003024029.1:p.Gly114Ser) variant in MTCO2 gene is interpretated to be a Uncertain Significance variant based on the modified ACMG guidelines (unpublished). This variant meets the following evidence codes: BP6

Kids Research, The Children's Hospital at Westmead
Classification: Uncertain significance for Decreased activity of mitochondrial complex IV. Review status: criteria provided, single submitter. Criteria: ACMG Guidelines, 2015. Collection method: research. Allele origin: de novo. Inheritance: Sporadic. Affected: yes.

Literature cited by the submitters: PubMed 32313153 (cited by Kids Research, The Children's Hospital at Westmead).